The following is an entry in ClinVar:

ClinVar aggregate classification (germline): Uncertain significance. Review status: criteria provided, multiple submitters, no conflicts (2 of 4 stars). 3 submissions from 3 submitters: Uncertain significance (3). Last evaluated 2024-09-30.

Conditions:
Pierson syndrome. Also called: MICROCORIA-CONGENITAL NEPHROTIC SYNDROME. Identifiers: Orphanet 2670, MedGen C1836876, MONDO:0012184, OMIM 609049.
LAMB2-related infantile-onset nephrotic syndrome. Also called: Nephrotic Syndrome, type 5; NEPHROTIC SYNDROME, TYPE 5, WITHOUT OCULAR ABNORMALITIES; NEPHROTIC SYNDROME, TYPE 5, WITH OCULAR ABNORMALITIES. Identifiers: Orphanet 306507, MedGen C3280113, MONDO:0013621, OMIM 614199.
Inborn genetic diseases. Identifiers: MedGen C0950123, MeSH D030342.

Allele frequency attached by ClinVar (database versions not stated): TOPMed below 0.00001; gnomAD 0.00001; gnomAD exomes 0.00001; ExAC 0.00004.
gnomAD v4.1: 15 of 1,613,742 alleles (0.00093%); highest among the groups gnomAD compares: East Asian, 0.033%; no homozygotes.

Submissions (3):

Labcorp Genetics (formerly Invitae), Labcorp
Classification: Uncertain significance for LAMB2-related infantile-onset nephrotic syndrome; Pierson syndrome. Last evaluated: 2024-09-30. Review status: criteria provided, single submitter. Criteria: Invitae Variant Classification Sherloc (09022015). Collection method: clinical testing. Allele origin: germline.
Comment: This sequence change replaces serine, which is neutral and polar, with arginine, which is basic and polar, at codon 462 of the LAMB2 protein (p.Ser462Arg). This variant is present in population databases (rs761023652, gnomAD 0.08%). This variant has not been reported in the literature in individuals affected with LAMB2-related conditions. ClinVar contains an entry for this variant (Variation ID: 2078729). An algorithm developed to predict the effect of missense changes on protein structure and function (PolyPhen-2) suggests that this variant is likely to be tolerated. In summary, the available evidence is currently insufficient to determine the role of this variant in disease. Therefore, it has been classified as a Variant of Uncertain Significance.

Fulgent Genetics
Classification: Uncertain significance for Pierson syndrome; LAMB2-related infantile-onset nephrotic syndrome. Last evaluated: 2024-06-20. Review status: criteria provided, single submitter. Criteria: ACMG Guidelines, 2015. Collection method: clinical testing. Allele origin: germline.

Ambry Genetics
Classification: Uncertain significance for Inborn genetic diseases. Last evaluated: 2024-04-19. Review status: criteria provided, single submitter. Criteria: Ambry Variant Classification Scheme 2023. Collection method: clinical testing. Allele origin: germline.

NM_002292.4(LAMB2):c.1386T>G (p.Ser462Arg)

Gene: LAMB2 (laminin subunit beta 2; minus strand). Cytogenetic location: 3p21.31.
Variant type: single nucleotide variant.
Coding change: c.1386T>G on transcript NM_002292.4 (MANE Select); coding-DNA position 1386, T replaced by G.
Protein change: p.Ser462Arg; replaces serine 462 with arginine.
Molecular consequence: missense variant.
Genome position (GRCh38, 1-based): chr3:49,129,858, A>C on the plus strand (T>G on the coding strand, the complement: LAMB2 is on the minus strand). VCF-style: chr3-49129858-A-C. GRCh37 (hg19) VCF-style: chr3-49167291-A-C.
Other names: c.1386T>G (NM_002292.3); short protein forms S462R.
Identifiers: ClinVar variation 2078729 (VCV002078729.5), dbSNP rs761023652, ClinGen allele CA2394621.